The following is an entry in ClinVar:

ClinVar aggregate classification (germline): Uncertain significance. Review status: criteria provided, multiple submitters, no conflicts (2 of 4 stars). 6 submissions from 6 submitters: Uncertain significance (5). 1 of the submissions does not count toward it. Last evaluated 2025-05-01.

Conditions:
Bartter disease type 4A. Also called: BARTTER SYNDROME, TYPE 4A, NEONATAL, WITH SENSORINEURAL DEAFNESS; BARTTER SYNDROME, NEONATAL, WITH SENSORINEURAL DEAFNESS. Identifiers: Orphanet 112, MedGen C1865270, MONDO:0011242, OMIM 602522.
Bartter syndrome. Identifiers: Orphanet 112, MedGen C0004775, MONDO:0015231.

Allele frequency attached by ClinVar (database versions not stated): gnomAD 0.00005; gnomAD exomes 0.00005 and 0.00012; ExAC 0.00010; TOPMed 0.00010; 1000 Genomes Project 0.00020; 1000 Genomes Project 30x 0.00031.

Submissions (6):

Rare Kidney Stone Consortium and the Mayo Clinic Hyperoxaluria Center, Mayo Clinic
Classification: Uncertain significance for Bartter disease type 4A. Last evaluated: 2025-05-01. Review status: criteria provided, single submitter. Criteria: ACMG Guidelines, 2015. Collection method: research. Allele origin: germline.
Comment: ACMG: PM2

heterozygote

Labcorp Genetics (formerly Invitae), Labcorp
Classification: Uncertain significance. Last evaluated: 2024-04-25. Review status: criteria provided, single submitter. Criteria: Invitae Variant Classification Sherloc (09022015). Collection method: clinical testing. Allele origin: germline.
Comment: This sequence change replaces glutamine, which is neutral and polar, with arginine, which is basic and polar, at codon 257 of the BSND protein (p.Gln257Arg). This variant is present in population databases (rs199696535, gnomAD 0.06%). This variant has not been reported in the literature in individuals affected with BSND-related conditions. ClinVar contains an entry for this variant (Variation ID: 517488). Advanced modeling of protein sequence and biophysical properties (such as structural, functional, and spatial information, amino acid conservation, physicochemical variation, residue mobility, and thermodynamic stability) has been performed at Invitae for this missense variant, however the output from this modeling did not meet the statistical confidence thresholds required to predict the impact of this variant on BSND protein function. In summary, the available evidence is currently insufficient to determine the role of this variant in disease. Therefore, it has been classified as a Variant of Uncertain Significance.

GeneDx
Classification: Uncertain significance. Last evaluated: 2022-05-31. Review status: criteria provided, single submitter. Criteria: GeneDx Variant Classification Process June 2021. Collection method: clinical testing. Allele origin: germline. Affected: yes.
Comment: Reported without a second variant in a patient with Dent disease in published literature (Cogal et al., 2021); In silico analysis supports that this missense variant does not alter protein structure/function; This variant is associated with the following publications: (PMID: 34805638)

Fulgent Genetics
Classification: Uncertain significance for Bartter disease type 4A. Last evaluated: 2022-05-04. Review status: criteria provided, single submitter. Criteria: ACMG Guidelines, 2015. Collection method: clinical testing. Allele origin: unknown.

Laboratory for Molecular Medicine, Mass General Brigham Personalized Medicine
Classification: Uncertain significance. Last evaluated: 2017-07-13. Review status: criteria provided, single submitter. Criteria: LMM Criteria. Collection method: clinical testing. Allele origin: germline. Observed: 1 variant allele.
Comment: The p.Gln257Arg variant in BSND has not been previously reported in individuals with hearing loss, but has been reported in 21/34412 Latino chromosomes by the G enome Aggregation Database (gnomAD; dbSNP rs19 9696535). Although this variant has been seen in the general population, its fre quency is not high enough to rule out a pathogenic role. Computational predictio n tools and conservation analyses suggest that this variant may not impact the p rotein, though this information is not predictive enough to rule out pathogenici ty. In summary, the clinical significance of the p.Gln257Arg variant is uncertai n.

Natera, Inc.
Classification: Uncertain significance for Bartter syndrome. Last evaluated: 2019-10-28. Review status: no assertion criteria provided. Collection method: clinical testing. Allele origin: germline. Not counted in ClinVar's aggregate classification.

Literature cited by the submitters: PubMed 34805638 (cited by Rare Kidney Stone Consortium and the Mayo Clinic Hyperoxaluria Center, Mayo Clinic).

NM_057176.3(BSND):c.770A>G (p.Gln257Arg)

Gene: BSND (barttin CLCNK type accessory subunit beta; plus strand). Cytogenetic location: 1p32.3.
Variant type: single nucleotide variant.
Coding change: c.770A>G on transcript NM_057176.3 (MANE Select); coding-DNA position 770, A replaced by G.
Protein change: p.Gln257Arg; replaces glutamine 257 with arginine.
Molecular consequence: missense variant.
Genome position (GRCh38, 1-based): chr1:55,008,435, A>G. VCF-style: chr1-55008435-A-G. GRCh37 (hg19) VCF-style: chr1-55474108-A-G.
Other names: short protein forms Q257R.
Identifiers: ClinVar variation 517488 (VCV000517488.12), dbSNP rs199696535, ClinGen allele CA871418.